The following is an entry in ClinVar:

ClinVar aggregate classification (germline): Uncertain significance (1 of 4 stars; one submission).

Allele frequency attached by ClinVar (database versions not stated): gnomAD exomes below 0.00001; TOPMed below 0.00001; gnomAD 0.00001.
gnomAD v4.1: 2 of 1,612,872 alleles (0.00012%); highest among the groups gnomAD compares: Non-Finnish European, 0.00017%; no homozygotes.

Submission:

Labcorp Genetics (formerly Invitae), Labcorp
Classification: Uncertain significance. Last evaluated: 2025-04-10. Review status: criteria provided, single submitter. Criteria: Invitae Variant Classification Sherloc (09022015). Collection method: clinical testing. Allele origin: germline.
Comment: This sequence change replaces leucine, which is neutral and non-polar, with proline, which is neutral and non-polar, at codon 898 of the COL7A1 protein (p.Leu898Pro). This variant is present in population databases (no rsID available, gnomAD 0.0009%). This variant has not been reported in the literature in individuals affected with COL7A1-related conditions. ClinVar contains an entry for this variant (Variation ID: 1910425). Invitae Evidence Modeling of protein sequence and biophysical properties (such as structural, functional, and spatial information, amino acid conservation, physicochemical variation, residue mobility, and thermodynamic stability) indicates that this missense variant is not expected to disrupt COL7A1 protein function with a negative predictive value of 95%. In summary, the available evidence is currently insufficient to determine the role of this variant in disease. Therefore, it has been classified as a Variant of Uncertain Significance.

NM_000094.4(COL7A1):c.2693T>C (p.Leu898Pro)

Gene: COL7A1 (collagen type VII alpha 1 chain; minus strand). Cytogenetic location: 3p21.31.
Variant type: single nucleotide variant.
Coding change: c.2693T>C on transcript NM_000094.4 (MANE Select); coding-DNA position 2693, T replaced by C.
Protein change: p.Leu898Pro; replaces leucine 898 with proline.
Molecular consequence: missense variant.
Genome position (GRCh38, 1-based): chr3:48,588,299, A>G on the plus strand (T>C on the coding strand, the complement: COL7A1 is on the minus strand). VCF-style: chr3-48588299-A-G. GRCh37 (hg19) VCF-style: chr3-48625732-A-G.
Other names: short protein forms L898P.
Identifiers: ClinVar variation 1910425 (VCV001910425.4), dbSNP rs1300309101, ClinGen allele CA352717069.